The following is an entry in ClinVar:

ClinVar aggregate classification (germline): Uncertain significance. Review status: criteria provided, multiple submitters, no conflicts (2 of 4 stars). 2 submissions from 2 submitters: Uncertain significance (2). Last evaluated 2024-03-04.

Allele frequency attached by ClinVar (database versions not stated): gnomAD exomes below 0.00001; TOPMed below 0.00001; gnomAD 0.00001.
gnomAD v4.1: 2 of 1,614,122 alleles (0.00012%); highest among the groups gnomAD compares: Non-Finnish European, 0.00017%; no homozygotes.

Submissions (2):

Mayo Clinic Laboratories, Mayo Clinic
Classification: Uncertain significance. Last evaluated: 2024-03-04. Review status: criteria provided, single submitter. Criteria: ACMG Guidelines, 2015. Collection method: clinical testing. Allele origin: germline. Observed: 1 variant allele.
Comment: PM2_moderate

Labcorp Genetics (formerly Invitae), Labcorp
Classification: Uncertain significance. Last evaluated: 2021-10-22. Review status: criteria provided, single submitter. Criteria: Invitae Variant Classification Sherloc (09022015). Collection method: clinical testing. Allele origin: germline.
Comment: This sequence change replaces alanine with serine at codon 263 of the ACO2 protein (p.Ala263Ser). The alanine residue is highly conserved and there is a moderate physicochemical difference between alanine and serine. This variant is not present in population databases (ExAC no frequency). This variant has not been reported in the literature in individuals affected with ACO2-related conditions. Advanced modeling of protein sequence and biophysical properties (such as structural, functional, and spatial information, amino acid conservation, physicochemical variation, residue mobility, and thermodynamic stability) performed at Invitae indicates that this missense variant is expected to disrupt ACO2 protein function. In summary, the available evidence is currently insufficient to determine the role of this variant in disease. Therefore, it has been classified as a Variant of Uncertain Significance.

NM_001098.3(ACO2):c.787G>T (p.Ala263Ser)

Gene: ACO2 (aconitase 2; plus strand). Cytogenetic location: 22q13.2.
Variant type: single nucleotide variant.
Coding change: c.787G>T on transcript NM_001098.3 (MANE Select); coding-DNA position 787, G replaced by T.
Protein change: p.Ala263Ser; replaces alanine 263 with serine.
Molecular consequence: missense variant.
Genome position (GRCh38, 1-based): chr22:41,515,869, G>T. VCF-style: chr22-41515869-G-T. GRCh37 (hg19) VCF-style: chr22-41911873-G-T.
Other names: p.Ala263Ser; short protein forms A263S.
Identifiers: ClinVar variation 1419333 (VCV001419333.7), dbSNP rs2066472274, ClinGen allele CA411720516.
Genomic context (GRCh38, chr22:41,515,869, plus strand): 5'-TCACCCAAAGATGTGATCCTGAAGGTGGCAGGCATCCTCACGGTGAAAGGTGGCACAGGT[G>T]CAATCGTGGAATACCACGGGCCTGGTGTAGACTCCATCTCCTGCACTGGTGAGGAAGGCG-3'
Protein context (NP_001089.1, residues 253-273): GILTVKGGTG[Ala263Ser]IVEYHGPGVD